The following is an entry in ClinVar:

ClinVar aggregate classification (germline): Likely pathogenic (1 of 4 stars; one submission).

Conditions:
Solitary median maxillary central incisor syndrome. Also called: FUSED INCISORS; SINGLE CENTRAL MAXILLARY INCISOR; Solitary median maxillary central incisor; SMMCI SYNDROME; Single Central Incisor Syndrome. Identifiers: MedGen C1840235, MONDO:0007819, OMIM 147250, HP:0006315.

Submission:

Laboratory of Molecular Genetics, CHU Rennes
Classification: Likely pathogenic for Solitary median maxillary central incisor syndrome. Last evaluated: 2025-02-27. Review status: criteria provided, single submitter. Criteria: ACMG Guidelines, 2015. Collection method: clinical testing. Allele origin: paternal. Inheritance: Oligogenic inheritance. Affected: yes.
Comment: The NM_000193.4:c.551C>T, is a missense variant in SHH in the Hedgehog domain (PM1), absent from controls (PM2), predicted pathogenic by prediction tools (PP3).

NM_000193.4(SHH):c.551C>T (p.Ser184Leu)

Gene: SHH (sonic hedgehog signaling molecule; minus strand). Cytogenetic location: 7q36.3.
Variant type: single nucleotide variant.
Coding change: c.551C>T on transcript NM_000193.4 (MANE Select); coding-DNA position 551, C replaced by T.
Protein change: p.Ser184Leu; replaces serine 184 with leucine.
Molecular consequence: missense variant. On other transcripts: non-coding transcript variant (2).
Genome position (GRCh38, 1-based): chr7:155,806,307, G>A on the plus strand (C>T on the coding strand, the complement: SHH is on the minus strand). VCF-style: chr7-155806307-G-A. GRCh37 (hg19) VCF-style: chr7-155599001-G-A.
Other names: c.290C>T, p.Ser97Leu (NM_001310462.2); short protein forms S184L, S97L.
Identifiers: ClinVar variation 3775128 (VCV003775128.1).